The following is an entry in ClinVar:

NM_206933.4(USH2A):c.449T>A (p.Leu150Ter)

Gene: USH2A (usherin; minus strand). Cytogenetic location: 1q41.
Variant type: single nucleotide variant.
Coding change: c.449T>A on transcript NM_206933.4 (MANE Select); coding-DNA position 449, T replaced by A.
Protein change: p.Leu150Ter; replaces leucine 150 with a stop codon.
Molecular consequence: nonsense.
Genome position (GRCh38, 1-based): chr1:216,421,888, A>T on the plus strand (T>A on the coding strand, the complement: USH2A is on the minus strand). VCF-style: chr1-216421888-A-T. GRCh37 (hg19) VCF-style: chr1-216595230-A-T.
Other names: c.449T>A, p.Leu150Ter (NM_007123.6); short protein forms L150*.
Identifiers: ClinVar variation 556195 (VCV000556195.8), dbSNP rs1553258037, ClinGen allele CA344903763.
Genomic context (GRCh38, chr1:216,421,888, plus strand): 5'-GCTTATACCTACACTACTACTTACATTACACCTTGTTGCTCAGGTTTCAGCCATACAGCT[A>T]AGGTAAATGATGCCATCAGCTTTGGAGAAGGAGGAGAAGAAAAGCAGCTCTTGTGATTTC-3'

ClinVar aggregate classification (germline): Pathogenic/Likely pathogenic. Review status: criteria provided, multiple submitters, no conflicts (2 of 4 stars). 5 submissions from 4 submitters: Pathogenic (1); Likely pathogenic (3). 1 of the submissions does not count toward it. Last evaluated 2023-11-04.

Conditions:
USH2A-related disorder. Also called: USH2A-related disorders; USH2A-related condition. Identifiers: MedGen CN239332.
Usher syndrome type 2A. Also called: RETINAL DISEASE IN USHER SYNDROME TYPE IIA, MODIFIER OF; USHER SYNDROME, TYPE IIA. Identifiers: Orphanet 231178, Orphanet 886, MedGen C1848634, MONDO:0010169, OMIM 276901.
Retinitis pigmentosa 39 (RP39). Identifiers: Orphanet 791, MedGen C3151138, MONDO:0013436, OMIM 613809.

gnomAD v4.1: 1 of 1,613,942 alleles (0.000062%); highest among the groups gnomAD compares: Non-Finnish European, 0.000085%; no homozygotes.

Submissions (5):

Genome-Nilou Lab
Classification: Likely pathogenic for Retinitis pigmentosa 39. Last evaluated: 2023-11-04. Review status: criteria provided, single submitter. Criteria: ACMG Guidelines, 2015. Collection method: clinical testing. Allele origin: germline. Affected: no.

Genome-Nilou Lab
Classification: Likely pathogenic for Usher syndrome type 2A. Last evaluated: 2023-11-04. Review status: criteria provided, single submitter. Criteria: ACMG Guidelines, 2015. Collection method: clinical testing. Allele origin: germline. Affected: no.

Labcorp Genetics (formerly Invitae), Labcorp
Classification: Pathogenic. Last evaluated: 2022-07-30. Review status: criteria provided, single submitter. Criteria: Invitae Variant Classification Sherloc (09022015). Collection method: clinical testing. Allele origin: germline.
Comment: This sequence change creates a premature translational stop signal (p.Leu150*) in the USH2A gene. It is expected to result in an absent or disrupted protein product. Loss-of-function variants in USH2A are known to be pathogenic (PMID: 10729113, 10909849, 20507924, 25649381). This variant is not present in population databases (gnomAD no frequency). This premature translational stop signal has been observed in individual(s) with Usher syndrome (PMID: 31904091). ClinVar contains an entry for this variant (Variation ID: 556195). For these reasons, this variant has been classified as Pathogenic.

Blueprint Genetics
Classification: Likely pathogenic for USH2A-related disorders. Last evaluated: 2021-05-29. Review status: criteria provided, single submitter. Criteria: ACMG Guidelines, 2015. Collection method: clinical testing. Allele origin: germline. Affected: yes. Observed: 1 variant allele.

Counsyl
Classification: Likely pathogenic for Usher syndrome type 2A; Retinitis pigmentosa 39. Last evaluated: 2018-01-17. Review status: no assertion criteria provided. Collection method: clinical testing. Allele origin: unknown. Not counted in ClinVar's aggregate classification.

Literature cited by the submitters: PubMed 10729113 (cited by Labcorp Genetics (formerly Invitae), Labcorp); PubMed 10909849 (cited by Labcorp Genetics (formerly Invitae), Labcorp); PubMed 20507924 (cited by Labcorp Genetics (formerly Invitae), Labcorp); PubMed 25649381 (cited by Labcorp Genetics (formerly Invitae), Labcorp); PubMed 31904091 (cited by Labcorp Genetics (formerly Invitae), Labcorp).